The following is an entry in ClinVar:

NM_021913.5(AXL):c.2399G>A (p.Arg800Gln)

Gene: AXL (AXL receptor tyrosine kinase; plus strand). Cytogenetic location: 19q13.2.
Variant type: single nucleotide variant.
Coding change: c.2399G>A on transcript NM_021913.5 (MANE Select); coding-DNA position 2399, G replaced by A.
Protein change: p.Arg800Gln; replaces arginine 800 with glutamine.
Molecular consequence: missense variant.
Genome position (GRCh38, 1-based): chr19:41,259,618, G>A. VCF-style: chr19-41259618-G-A. GRCh37 (hg19) VCF-style: chr19-41765523-G-A.
Other names: c.1595G>A, p.Arg532Gln (NM_001278599.2); c.2372G>A, p.Arg791Gln (NM_001699.6); short protein forms R532Q, R791Q, R800Q.
Identifiers: ClinVar variation 2056236 (VCV002056236.4), dbSNP rs199709000, ClinGen allele CA9458700.

ClinVar aggregate classification (germline): Uncertain significance (1 of 4 stars; one submission).

Allele frequency attached by ClinVar (database versions not stated): ESP Exome Variant Server 0.00015; gnomAD 0.00012; gnomAD exomes 0.00012.
gnomAD v4.1: 199 of 1,613,760 alleles (0.012%); highest among the groups gnomAD compares: Admixed American, 0.025%; no homozygotes.

Submission:

Labcorp Genetics (formerly Invitae), Labcorp
Classification: Uncertain significance. Last evaluated: 2024-12-26. Review status: criteria provided, single submitter. Criteria: Invitae Variant Classification Sherloc (09022015). Collection method: clinical testing. Allele origin: germline.
Comment: This sequence change replaces arginine, which is basic and polar, with glutamine, which is neutral and polar, at codon 800 of the AXL protein (p.Arg800Gln). This variant is present in population databases (rs199709000, gnomAD 0.02%). This variant has not been reported in the literature in individuals affected with AXL-related conditions. ClinVar contains an entry for this variant (Variation ID: 2056236). Invitae Evidence Modeling of protein sequence and biophysical properties (such as structural, functional, and spatial information, amino acid conservation, physicochemical variation, residue mobility, and thermodynamic stability) indicates that this missense variant is not expected to disrupt AXL protein function with a negative predictive value of 80%. In summary, the available evidence is currently insufficient to determine the role of this variant in disease. Therefore, it has been classified as a Variant of Uncertain Significance.